The following is an entry in ClinVar:

NM_198578.4(LRRK2):c.4109G>C (p.Gly1370Ala)

Gene: LRRK2 (leucine rich repeat kinase 2; plus strand). Cytogenetic location: 12q12.
Variant type: single nucleotide variant.
Coding change: c.4109G>C on transcript NM_198578.4 (MANE Select); coding-DNA position 4109, G replaced by C.
Protein change: p.Gly1370Ala; replaces glycine 1370 with alanine.
Molecular consequence: missense variant.
Genome position (GRCh38, 1-based): chr12:40,308,616, G>C. VCF-style: chr12-40308616-G-C. GRCh37 (hg19) VCF-style: chr12-40702418-G-C.
Other names: short protein forms G1370A.
Identifiers: ClinVar variation 1737899 (VCV001737899.2), dbSNP rs2499813136, ClinGen allele CA384417772.
Genomic context (GRCh38, chr12:40,308,616, plus strand): 5'-TATTGCAGCAATTAATGAAAACCAAGAAATCAGATCTTGGAATGCAAAGTGCCACAGTTG[G>C]CATAGATGTGAAAGACTGGCCTATCCAAATAAGAGACAAAAGAAAGAGAGATCTCGTCCT-3'
Protein context (NP_940980.4, residues 1360-1380): SDLGMQSATV[Gly1370Ala]IDVKDWPIQI

ClinVar aggregate classification (germline): Uncertain significance (1 of 4 stars; one submission).

Conditions:
Inborn genetic diseases. Identifiers: MedGen C0950123, MeSH D030342.

Submission:

Ambry Genetics
Classification: Uncertain significance for Inborn genetic diseases. Last evaluated: 2024-02-05. Review status: criteria provided, single submitter. Criteria: Ambry Variant Classification Scheme 2023. Collection method: clinical testing. Allele origin: germline.
Comment: The p.G1370A variant (also known as c.4109G>C), located in coding exon 29 of the LRRK2 gene, results from a G to C substitution at nucleotide position 4109. The glycine at codon 1370 is replaced by alanine, an amino acid with similar properties. This amino acid position is conserved. In addition, this alteration is predicted to be deleterious by in silico analysis. Since supporting evidence is limited at this time, the clinical significance of this alteration remains unclear.